The following is an entry in ClinVar:

ClinVar aggregate classification (germline): Pathogenic. Review status: criteria provided, multiple submitters, no conflicts (2 of 4 stars). 3 submissions from 3 submitters: Pathogenic (3). Last evaluated 2023-12-21.

Conditions:
Hereditary cancer-predisposing syndrome. Also called: Neoplastic Syndromes, Hereditary; Tumor predisposition; Hereditary neoplastic syndrome; Hereditary Cancer Syndrome. Identifiers: Orphanet 140162, MedGen C0027672, MeSH D009386, MONDO:0015356.
Familial cancer of breast. Also called: BREAST CANCER, FAMILIAL; hereditary breast carcinoma; Hereditary breast cancer. Identifiers: Orphanet 227535, MedGen C0346153, MONDO:0016419, OMIM 114480. Disease mechanism: loss of function.

Submissions (3):

Myriad Genetics, Inc.
Classification: Pathogenic for Familial cancer of breast. Last evaluated: 2023-12-21. Review status: criteria provided, single submitter. Criteria: Myriad Autosomal Dominant, Autosomal Recessive and X-Linked Classification Criteria (2023). Collection method: clinical testing. Allele origin: unknown.
Comment: This variant is considered pathogenic. This variant creates a frameshift predicted to result in premature protein truncation.

Ambry Genetics
Classification: Pathogenic for Hereditary cancer-predisposing syndrome. Last evaluated: 2023-07-18. Review status: criteria provided, single submitter. Criteria: Ambry Variant Classification Scheme 2023. Collection method: clinical testing. Allele origin: germline.
Comment: The c.2838_2842delATTGT pathogenic mutation, located in coding exon 9 of the PALB2 gene, results from a deletion of 5 nucleotides at nucleotide positions 2838 to 2842, causing a translational frameshift with a predicted alternate stop codon (p.C949Lfs*2). This variant is considered to be rare based on population cohorts in the Genome Aggregation Database (gnomAD). This alteration is expected to result in loss of function by premature protein truncation or nonsense-mediated mRNA decay. As such, this alteration is interpreted as a disease-causing mutation.

Labcorp Genetics (formerly Invitae), Labcorp
Classification: Pathogenic for Familial cancer of breast. Last evaluated: 2023-06-14. Review status: criteria provided, single submitter. Criteria: Invitae Variant Classification Sherloc (09022015). Collection method: clinical testing. Allele origin: germline.
Comment: This sequence change creates a premature translational stop signal (p.Cys949Leufs*2) in the PALB2 gene. It is expected to result in an absent or disrupted protein product. Loss-of-function variants in PALB2 are known to be pathogenic (PMID: 17200668, 17200671, 17200672, 24136930, 25099575). This variant is not present in population databases (gnomAD no frequency). This variant has not been reported in the literature in individuals affected with PALB2-related conditions. ClinVar contains an entry for this variant (Variation ID: 662943). For these reasons, this variant has been classified as Pathogenic.

Literature cited by the submitters: PubMed 17200668 (cited by Labcorp Genetics (formerly Invitae), Labcorp); PubMed 17200671 (cited by Labcorp Genetics (formerly Invitae), Labcorp); PubMed 17200672 (cited by Labcorp Genetics (formerly Invitae), Labcorp); PubMed 24136930 (cited by Labcorp Genetics (formerly Invitae), Labcorp); PubMed 25099575 (cited by Labcorp Genetics (formerly Invitae), Labcorp).

NM_024675.4(PALB2):c.2838_2842del (p.Cys949fs)

Gene: PALB2 (partner and localizer of BRCA2; minus strand). Cytogenetic location: 16p12.2.
Variant type: Deletion.
Coding change: c.2838_2842del on transcript NM_024675.4 (MANE Select); coding-DNA positions 2838 to 2842, 5 bases deleted (ATTGT; older notation c.2838_2842delATTGT).
Protein change: p.Cys949fs; shifts the reading frame from cysteine 949.
Molecular consequence: frameshift variant.
Genome position (GRCh38, 1-based): chr16:23,623,123-23,623,127, ACAAT deleted on the plus strand (ATTGT on the coding strand, the reverse complement: PALB2 is on the minus strand). VCF-style (leftmost placement, unchanged base first): chr16-23623122-AACAAT-A. GRCh37 (hg19) VCF-style: chr16-23634443-AACAAT-A.
Other names: c.2838_2842delATTGT (NM_024675.3); short protein forms C949fs.
Identifiers: ClinVar variation 662943 (VCV000662943.9), dbSNP rs1597081571, ClinGen allele CA915949170.
Genomic context (GRCh38, chr16:23,623,122, plus strand): 5'-GCTTTTATATTTCCAGACTTCAGTAGTACTTGCTTTTCACTTTCATCATCAGAGGAACAA[AACAAT>A]GCCCTAAGCCAAATATAAGGAAAAATGGGGTGATGTGAGGAGTAACCTTTTAATATTAAA-3'